The following is an entry in ClinVar:

NM_006030.4(CACNA2D2):c.1937C>A (p.Thr646Asn)

Gene: CACNA2D2 (calcium voltage-gated channel auxiliary subunit alpha2delta 2; minus strand). Cytogenetic location: 3p21.31.
Variant type: single nucleotide variant.
Coding change: c.1937C>A on transcript NM_006030.4 (MANE Select); coding-DNA position 1937, C replaced by A.
Protein change: p.Thr646Asn; replaces threonine 646 with asparagine.
Molecular consequence: missense variant.
Genome position (GRCh38, 1-based): chr3:50,374,784, G>T on the plus strand (C>A on the coding strand, the complement: CACNA2D2 is on the minus strand). VCF-style: chr3-50374784-G-T. GRCh37 (hg19) VCF-style: chr3-50412215-G-T.
Other names: c.1937C>A, p.Thr646Asn (NM_001005505.3, NM_001174051.3); c.1730C>A, p.Thr577Asn (NM_001291101.1); short protein forms T577N, T646N.
Identifiers: ClinVar variation 1060968 (VCV001060968.5), dbSNP rs2106637765, ClinGen allele CA352922092.

ClinVar aggregate classification (germline): Uncertain significance (1 of 4 stars; one submission).

Conditions:
Developmental and epileptic encephalopathy. Identifiers: MedGen C5779964, MONDO:0100620.

Submission:

Labcorp Genetics (formerly Invitae), Labcorp
Classification: Uncertain significance for Early-infantile DEE. Last evaluated: 2022-07-14. Review status: criteria provided, single submitter. Criteria: Invitae Variant Classification Sherloc (09022015). Collection method: clinical testing. Allele origin: germline.
Comment: In summary, the available evidence is currently insufficient to determine the role of this variant in disease. Therefore, it has been classified as a Variant of Uncertain Significance. Algorithms developed to predict the effect of missense changes on protein structure and function (SIFT, PolyPhen-2, Align-GVGD) all suggest that this variant is likely to be tolerated. ClinVar contains an entry for this variant (Variation ID: 1060968). This variant has not been reported in the literature in individuals affected with CACNA2D2-related conditions. This variant is not present in population databases (gnomAD no frequency). This sequence change replaces threonine, which is neutral and polar, with asparagine, which is neutral and polar, at codon 646 of the CACNA2D2 protein (p.Thr646Asn).